The following is an entry in ClinVar:

NM_032790.4(ORAI1):c.303+6C>T

Genes: ORAI1 (ORAI calcium release-activated calcium modulator 1; plus strand), LOC130008987 (ATAC-STARR-seq lymphoblastoid silent region 4981; plus strand). Cytogenetic location: 12q24.31.
Variant type: single nucleotide variant.
Coding change: c.303+6C>T on transcript NM_032790.4 (MANE Select); 6 bases into the intron after coding-DNA position 303, C replaced by T.
Molecular consequence: intron variant.
Genome position (GRCh38, 1-based): chr12:121,627,056, C>T. VCF-style: chr12-121627056-C-T.
Identifiers: ClinVar variation 4794884 (VCV004794884.1).
Genomic context (GRCh38, chr12:121,627,056, plus strand): 5'-CGCCAAGCTTAAAGCCTCCAGCCGGACCTCGGCTCTGCTCTCCGGCTTCGCCATGGTGAG[C>T]TCCGGCCGCCCTGCCCTGCCCCCTCTACTGTCCCGGCTGCTCCCGCCCGCAGCCCCGACG-3'

ClinVar aggregate classification (germline): Uncertain significance (1 of 4 stars; one submission).

Conditions:
Combined immunodeficiency due to ORAI1 deficiency. Also called: IMMUNODEFICIENCY 9. Identifiers: Orphanet 169090, Orphanet 317428, MedGen C2748568, MONDO:0013007, OMIM 612782.
Myopathy, tubular aggregate, 2 (TAM2). Identifiers: MedGen C4014557, MONDO:0014383, OMIM 615883.

Submission:

Labcorp Genetics (formerly Invitae), Labcorp
Classification: Uncertain significance for Myopathy, tubular aggregate, 2; Combined immunodeficiency due to ORAI1 deficiency. Last evaluated: 2025-02-17. Review status: criteria provided, single submitter. Criteria: Invitae Variant Classification Sherloc (09022015). Collection method: clinical testing. Allele origin: germline.
Comment: This sequence change falls in intron 1 of the ORAI1 gene. It does not directly change the encoded amino acid sequence of the ORAI1 protein. It affects a nucleotide within the consensus splice site. The frequency data for this variant in the population databases is considered unreliable, as metrics indicate poor data quality at this position in the gnomAD database. This variant has not been reported in the literature in individuals affected with ORAI1-related conditions. Variants that disrupt the consensus splice site are a relatively common cause of aberrant splicing (PMID: 17576681, 9536098). Algorithms developed to predict the effect of sequence changes on RNA splicing suggest that this variant is not likely to affect RNA splicing. In summary, the available evidence is currently insufficient to determine the role of this variant in disease. Therefore, it has been classified as a Variant of Uncertain Significance.

Literature cited by the submitters: PubMed 17576681; PubMed 9536098.